The following is an entry in ClinVar:

ClinVar aggregate classification (germline): Pathogenic (1 of 4 stars; one submission).

Submission:

GeneDx
Classification: Pathogenic. Last evaluated: 2016-07-20. Review status: criteria provided, single submitter. Criteria: GeneDx Variant Classification (06012015). Collection method: clinical testing. Allele origin: germline. Affected: yes.
Comment: The c.914-2 A>G splice site variant in the TSC1 gene destroys the canonical splice acceptor sitein intron 9. It is predicted to cause abnormal gene splicing, either leading to an abnormal messagethat is subject to nonsense-mediated mRNA decay, or to an abnormal protein product if themessage is used for protein translation.

NM_000368.5(TSC1):c.914-2A>G

Gene: TSC1 (TSC complex subunit 1; minus strand). Cytogenetic location: 9q34.13.
Variant type: single nucleotide variant.
Coding change: c.914-2A>G on transcript NM_000368.5 (MANE Select); the canonical splice acceptor site of the intron before coding-DNA position 914, A replaced by G.
Molecular consequence: splice acceptor variant.
Genome position (GRCh38, 1-based): chr9:132,911,570, T>C on the plus strand (A>G on the coding strand, the complement: TSC1 is on the minus strand). VCF-style: chr9-132911570-T-C. GRCh37 (hg19) VCF-style: chr9-135786957-T-C.
Other names: c.551-2A>G (NM_001406620.1, NM_001406618.1, NM_001406625.1 and 10 more transcripts); c.761-2A>G (NM_001406613.1, NM_001406612.1, NM_001406610.1 and 2 more transcripts); c.-38-2A>G (NM_001406627.1, NM_001406628.1, NM_001406626.1); c.-180-2A>G (NM_001406629.1, NM_001406630.1); c.914-2A>G (NM_001406603.1, NM_001406609.1, NM_001406597.1 and 16 more transcripts).
Identifiers: ClinVar variation 280429 (VCV000280429.2), dbSNP rs886041638, ClinGen allele CA10603107.